The following is an entry in ClinVar:

ClinVar aggregate classification (germline): Conflicting classifications of pathogenicity. Review status: criteria provided, conflicting classifications (1 of 4 stars). 3 submissions from 3 submitters: Uncertain significance (2); Likely benign (1). Last evaluated 2026-06-30.

Conditions:
Hereditary cancer-predisposing syndrome. Also called: Neoplastic Syndromes, Hereditary; Hereditary Cancer Syndrome; Hereditary neoplastic syndrome; Tumor predisposition. Identifiers: Orphanet 140162, MedGen C0027672, MeSH D009386, MONDO:0015356.

gnomAD v4.1: 1 of 1,567,026 alleles (0.000064%); highest among the groups gnomAD compares: Non-Finnish European, 0.000086%; no homozygotes.

Submissions (3):

Ambry Genetics
Classification: Uncertain significance for Hereditary cancer-predisposing syndrome. Last evaluated: 2026-06-30. Review status: criteria provided, single submitter. Criteria: Ambry Variant Classification Scheme 2023. Collection method: clinical testing. Allele origin: germline.
Comment: The p.E1308K variant (also known as c.3922G>A), located in coding exon 10 of the BRCA2 gene, results from a G to A substitution at nucleotide position 3922. The glutamic acid at codon 1308 is replaced by lysine, an amino acid with similar properties. This amino acid position is not well conserved in available vertebrate species. In addition, this alteration is predicted to be tolerated by in silico analysis. Based on the available evidence, the clinical significance of this variant remains unclear.

University of Washington Department of Laboratory Medicine, University of Washington
Classification: Likely benign for Hereditary cancer-predisposing syndrome. Last evaluated: 2023-03-23. Review status: criteria provided, single submitter. Criteria: Dines et al. (Genet Med. 2020). Collection method: curation. Allele origin: germline.
Comment: Missense variant in a coldspot region where missense variants are very unlikely to be pathogenic (PMID:31911673).

BRCA2 exon 11 coldspot. Reclassification based on statistical prior probability.

Women's Health and Genetics/Laboratory Corporation of America, LabCorp
Classification: Uncertain significance. Last evaluated: 2018-08-13. Review status: criteria provided, single submitter. Criteria: LabCorp Variant Classification Summary - May 2015. Collection method: clinical testing. Allele origin: germline.
Comment: Variant summary: BRCA2 c.3922G>A (p.Glu1308Lys) results in a conservative amino acid change in the encoded protein sequence. Four of five in-silico tools predict a benign effect of the variant on protein function. The variant was absent in 30942 control chromosomes (gnomAD). The available data on variant occurrences in the general population are insufficient to allow any conclusion about variant significance. To our knowledge, no occurrence of c.3922G>A in individuals affected with Hereditary Breast and Ovarian Cancer and no experimental evidence demonstrating its impact on protein function have been reported. No clinical diagnostic laboratories have submitted clinical-significance assessments for this variant to ClinVar after 2014. Based on the evidence outlined above, the variant was classified as uncertain significance.

NM_000059.4(BRCA2):c.3922G>A (p.Glu1308Lys)

Gene: BRCA2 (BRCA2 DNA repair associated; plus strand). Cytogenetic location: 13q13.1.
Variant type: single nucleotide variant.
Coding change: c.3922G>A on transcript NM_000059.4 (MANE Select); coding-DNA position 3922, G replaced by A.
Protein change: p.Glu1308Lys; replaces glutamic acid 1308 with lysine.
Molecular consequence: missense variant.
Genome position (GRCh38, 1-based): chr13:32,338,277, G>A. VCF-style: chr13-32338277-G-A. GRCh37 (hg19) VCF-style: chr13-32912414-G-A.
Other names: short protein forms E1308K.
Identifiers: ClinVar variation 633127 (VCV000633127.4), dbSNP rs80358638, ClinGen allele CA387778829.